The following is an entry in ClinVar:

NM_020884.7(MYH7B):c.3335AGA[2] (p.Lys1114del)

Gene: MYH7B (myosin heavy chain 7B; plus strand). Cytogenetic location: 20q11.22.
Variant type: Microsatellite.
Coding change: c.3335AGA[2] on transcript NM_020884.7 (MANE Select); two copies in a row of the 3-base unit AGA starting at c.3335; the reference has three copies in a row; one copy, 3 bases deleted.
Protein change: p.Lys1114del; deletes lysine 1114.
Molecular consequence: inframe deletion.
Genome position (GRCh38, 1-based): chr20:34,997,157-34,997,159, AGA deleted; deleting any 3 consecutive bases within chr20:34,997,151-34,997,159 gives the same sequence; the position shown is the placement nearest the transcript's 3' end. VCF-style (leftmost placement, unchanged base first): chr20-34997150-CAGA-C. GRCh37 (hg19) VCF-style: chr20-33584953-CAGA-C.
Other names: c.3467_3469delAGA (NM_020884.4); short protein forms K1114del.
Identifiers: ClinVar variation 1409393 (VCV001409393.8), dbSNP rs762269210, ClinGen allele CA9827698.

ClinVar aggregate classification (germline): Uncertain significance. Review status: criteria provided, multiple submitters, no conflicts (2 of 4 stars). 2 submissions from 2 submitters: Uncertain significance (2). Last evaluated 2026-02-20.

Conditions:
MYH7B-related disorder. Also called: MYH7B-related condition.

Submissions (2):

PreventionGenetics, part of Exact Sciences
Classification: Uncertain significance for MYH7B-related condition. Last evaluated: 2026-02-20. Review status: criteria provided, single submitter. Criteria: ACMG Guidelines, 2015. Collection method: clinical testing. Allele origin: germline.
Comment: The MYH7B c.3467_3469delAGA variant is predicted to result in an in-frame deletion (p.Lys1156del). To our knowledge, this variant has not been reported in the literature. This variant is reported in 0.015% of alleles in individuals of European (Non-Finnish) descent in gnomAD. At this time, the clinical significance of this variant is uncertain due to the absence of conclusive functional and genetic evidence.

Labcorp Genetics (formerly Invitae), Labcorp
Classification: Uncertain significance. Last evaluated: 2025-01-06. Review status: criteria provided, single submitter. Criteria: Invitae Variant Classification Sherloc (09022015). Collection method: clinical testing. Allele origin: germline.
Comment: This variant, c.3467_3469del, results in the deletion of 1 amino acid(s) of the MYH7B protein (p.Lys1156del), but otherwise preserves the integrity of the reading frame. This variant is present in population databases (rs762269210, gnomAD 0.02%). This variant has not been reported in the literature in individuals affected with MYH7B-related conditions. Experimental studies and prediction algorithms are not available or were not evaluated, and the functional significance of this variant is currently unknown. In summary, the available evidence is currently insufficient to determine the role of this variant in disease. Therefore, it has been classified as a Variant of Uncertain Significance.